The following is an entry in ClinVar:

NM_001393769.1(MED12L):c.1034A>T (p.Gln345Leu)

Gene: MED12L (mediator complex subunit 12L; plus strand). Cytogenetic location: 3q25.1.
Variant type: single nucleotide variant.
Coding change: c.1034A>T on transcript NM_001393769.1 (MANE Select); coding-DNA position 1034, A replaced by T.
Protein change: p.Gln345Leu; replaces glutamine 345 with leucine.
Molecular consequence: missense variant.
Genome position (GRCh38, 1-based): chr3:151,160,028, A>T. VCF-style: chr3-151160028-A-T. GRCh37 (hg19) VCF-style: chr3-150877815-A-T.
Other names: c.1034A>T, p.Gln345Leu (NM_053002.6); short protein forms Q345L.
Identifiers: ClinVar variation 3901820 (VCV003901820.1).

ClinVar aggregate classification (germline): Uncertain significance (1 of 4 stars; one submission).

Submission:

GeneDx
Classification: Uncertain significance. Last evaluated: 2024-12-05. Review status: criteria provided, single submitter. Criteria: GeneDx Variant Classification Process June 2021. Collection method: clinical testing. Allele origin: germline. Affected: yes.
Comment: Not observed at significant frequency in large population cohorts (gnomAD); In silico analysis supports that this missense variant has a deleterious effect on protein structure/function; Has not been previously published as pathogenic or benign to our knowledge